The following is an entry in ClinVar:

ClinVar aggregate classification (germline): Uncertain significance (1 of 4 stars; one submission).

Submission:

Ambry Genetics
Classification: Uncertain significance. Last evaluated: 2025-03-02. Review status: criteria provided, single submitter. Criteria: Ambry Variant Classification Scheme 2023. Collection method: clinical testing. Allele origin: germline.
Comment: The p.E461K variant (also known as c.1381G>A), located in coding exon 8 of the ATRIP gene, results from a G to A substitution at nucleotide position 1381. The glutamic acid at codon 461 is replaced by lysine, an amino acid with similar properties. This amino acid position is conserved. In addition, this alteration is predicted to be tolerated by in silico analysis. Based on the available evidence, the clinical significance of this variant remains unclear.

NM_130384.3(ATRIP):c.1381G>A (p.Glu461Lys)

Genes: ATRIP (ATR interacting protein; plus strand), ATRIP-TREX1 (ATRIP-TREX1 readthrough; plus strand). Cytogenetic location: 3p21.31.
Variant type: single nucleotide variant.
Coding change: c.1381G>A on transcript NM_130384.3 (MANE Select); coding-DNA position 1381, G replaced by A.
Protein change: p.Glu461Lys; replaces glutamic acid 461 with lysine.
Molecular consequence: missense variant. On other transcripts: non-coding transcript variant (1).
Genome position (GRCh38, 1-based): chr3:48,460,435, G>A. VCF-style: chr3-48460435-G-A. GRCh37 (hg19) VCF-style: chr3-48501834-G-A.
Other names: c.1000G>A, p.Glu334Lys (NM_001271022.2); c.1102G>A, p.Glu368Lys (NM_001271023.2); c.1381G>A, p.Glu461Lys (NM_032166.4); short protein forms E368K, E461K, E334K.
Identifiers: ClinVar variation 3811095 (VCV003811095.1).